The following is an entry in ClinVar:

NM_000051.4(ATM):c.7519G>C (p.Asp2507His)

Genes: ATM (ATM serine/threonine kinase; plus strand), C11orf65 (chromosome 11 open reading frame 65; minus strand). Cytogenetic location: 11q22.3.
Variant type: single nucleotide variant.
Coding change: c.7519G>C on transcript NM_000051.4 (MANE Select); coding-DNA position 7519, G replaced by C.
Protein change: p.Asp2507His; replaces aspartic acid 2507 with histidine.
Molecular consequence: missense variant. On other transcripts: non-coding transcript variant (1), intron variant (2).
Genome position (GRCh38, 1-based): chr11:108,331,447, G>C. VCF-style: chr11-108331447-G-C. GRCh37 (hg19) VCF-style: chr11-108202174-G-C.
Other names: c.7519G>C, p.Asp2507His (NM_001351834.2); c.641-22376C>G (NM_001330368.2); c.*38+3773C>G (NM_001351110.2); short protein forms D2507H.
Identifiers: ClinVar variation 1405524 (VCV001405524.8), dbSNP rs2136491059, ClinGen allele CA382560638.

ClinVar aggregate classification (germline): Uncertain significance. Review status: criteria provided, multiple submitters, no conflicts (2 of 4 stars). 3 submissions from 3 submitters: Uncertain significance (3). Last evaluated 2025-10-07.

Conditions:
Ataxia-telangiectasia syndrome (AT). Also called: Ataxia-telangiectasia; LOUIS-BAR SYNDROME; Ataxia-telangiectasia, complementation group D; AT, COMPLEMENTATION GROUP C; ATAXIA-TELANGIECTASIA, COMPLEMENTATION GROUP A; ATAXIA-TELANGIECTASIA, FRESNO VARIANT. Identifiers: Orphanet 100, MedGen C0004135, MONDO:0008840, OMIM 208900.
Hereditary cancer-predisposing syndrome. Also called: Tumor predisposition; Neoplastic Syndromes, Hereditary; Hereditary Cancer Syndrome; Hereditary neoplastic syndrome. Identifiers: Orphanet 140162, MedGen C0027672, MeSH D009386, MONDO:0015356.
Familial cancer of breast. Also called: BREAST CANCER, FAMILIAL; Hereditary breast cancer; hereditary breast carcinoma. Identifiers: Orphanet 227535, MedGen C0346153, MONDO:0016419, OMIM 114480. Disease mechanism: loss of function.

Submissions (3):

Labcorp Genetics (formerly Invitae), Labcorp
Classification: Uncertain significance for Ataxia-telangiectasia syndrome. Last evaluated: 2025-10-07. Review status: criteria provided, single submitter. Criteria: Invitae Variant Classification Sherloc (09022015). Collection method: clinical testing. Allele origin: germline.
Comment: This sequence change replaces aspartic acid, which is acidic and polar, with histidine, which is basic and polar, at codon 2507 of the ATM protein (p.Asp2507His). This variant is not present in population databases (gnomAD no frequency). This variant has not been reported in the literature in individuals affected with ATM-related conditions. ClinVar contains an entry for this variant (Variation ID: 1405524). Invitae Evidence Modeling of protein sequence and biophysical properties (such as structural, functional, and spatial information, amino acid conservation, physicochemical variation, residue mobility, and thermodynamic stability) indicates that this missense variant is not expected to disrupt ATM protein function with a negative predictive value of 95%. In summary, the available evidence is currently insufficient to determine the role of this variant in disease. Therefore, it has been classified as a Variant of Uncertain Significance.

Baylor Genetics
Classification: Uncertain significance for Familial cancer of breast. Last evaluated: 2023-09-28. Review status: criteria provided, single submitter. Criteria: ACMG Guidelines, 2015. Collection method: clinical testing. Allele origin: unknown.

Ambry Genetics
Classification: Uncertain significance for Hereditary cancer-predisposing syndrome. Last evaluated: 2023-08-02. Review status: criteria provided, single submitter. Criteria: Ambry Variant Classification Scheme 2023. Collection method: clinical testing. Allele origin: germline.
Comment: The p.D2507H variant (also known as c.7519G>C), located in coding exon 50 of the ATM gene, results from a G to C substitution at nucleotide position 7519. The aspartic acid at codon 2507 is replaced by histidine, an amino acid with similar properties. This amino acid position is conserved. In addition, this alteration is predicted to be tolerated by in silico analysis. Since supporting evidence is limited at this time, the clinical significance of this alteration remains unclear.